The following is an entry in ClinVar:

ClinVar aggregate classification (germline): Uncertain significance (1 of 4 stars; one submission).

Allele frequency attached by ClinVar (database versions not stated): gnomAD exomes below 0.00001; TOPMed 0.00005.
gnomAD v4.1: 3 of 1,613,556 alleles (0.00019%); highest among the groups gnomAD compares: African/African-American, 0.0013%; no homozygotes.

Submission:

Labcorp Genetics (formerly Invitae), Labcorp
Classification: Uncertain significance. Last evaluated: 2023-04-26. Review status: criteria provided, single submitter. Criteria: Invitae Variant Classification Sherloc (09022015). Collection method: clinical testing. Allele origin: germline.
Comment: This variant has not been reported in the literature in individuals affected with OPA1-related conditions. This variant is not present in population databases (gnomAD no frequency). This sequence change replaces serine, which is neutral and polar, with asparagine, which is neutral and polar, at codon 508 of the OPA1 protein (p.Ser508Asn). Advanced modeling of protein sequence and biophysical properties (such as structural, functional, and spatial information, amino acid conservation, physicochemical variation, residue mobility, and thermodynamic stability) performed at Invitae indicates that this missense variant is not expected to disrupt OPA1 protein function. In summary, the available evidence is currently insufficient to determine the role of this variant in disease. Therefore, it has been classified as a Variant of Uncertain Significance. Algorithms developed to predict the effect of sequence changes on RNA splicing suggest that this variant may disrupt the consensus splice site.

NM_130837.3(OPA1):c.1688G>A (p.Ser563Asn)

Gene: OPA1 (OPA1 mitochondrial dynamin like GTPase; plus strand). Cytogenetic location: 3q29.
Variant type: single nucleotide variant.
Coding change: c.1688G>A on transcript NM_130837.3 (MANE Select); coding-DNA position 1688, G replaced by A.
Protein change: p.Ser563Asn; replaces serine 563 with asparagine.
Molecular consequence: missense variant.
Genome position (GRCh38, 1-based): chr3:193,645,734, G>A. VCF-style: chr3-193645734-G-A. GRCh37 (hg19) VCF-style: chr3-193363523-G-A.
Other names: c.1154G>A, p.Ser385Asn (NM_001354663.2); c.1151G>A, p.Ser384Asn (NM_001354664.2); c.1523G>A, p.Ser508Asn (NM_015560.3); c.1415G>A, p.Ser472Asn (NM_130831.3); c.1469G>A, p.Ser490Asn (NM_130832.3); c.1526G>A, p.Ser509Asn (NM_130833.3); c.1577G>A, p.Ser526Asn (NM_130834.3); c.1580G>A, p.Ser527Asn (NM_130835.3); and 1 more; short protein forms S472N, S545N, S385N, S509N, S526N, S508N, S384N, S490N.
Identifiers: ClinVar variation 2972005 (VCV002972005.3), dbSNP rs1440774083, ClinGen allele CA355790177.
Genomic context (GRCh38, chr3:193,645,734, plus strand): 5'-CAAATAATAAAGAGTAATTTTCTTGATGAAAATTTGACCATCATTCTTCCCCAGGGAACA[G>A]CTCTGAAAGCATTGAAGCTATAAGAGAATATGAAGAAGAGTTTTTTCAGAATTCAAAGCT-3'
Protein context (NP_570850.2, residues 553-573): YFAVVTGKGN[Ser563Asn]SESIEAIREY